The following is an entry in ClinVar:

ClinVar aggregate classification (germline): Likely benign (1 of 4 stars; one submission).

Submission:

CeGaT Center for Human Genetics Tuebingen
Classification: Likely benign. Last evaluated: 2025-09-01. Review status: criteria provided, single submitter. Criteria: CeGaT Center For Human Genetics Tuebingen Variant Classification Criteria Version 2. Collection method: clinical testing. Allele origin: germline. Affected: yes. Observed: 1 variant allele.
Comment: BAZ2B-AS1: BS2

NM_013450.4(BAZ2B):c.-53G>T

Genes: BAZ2B (bromodomain adjacent to zinc finger domain 2B; minus strand), BAZ2B-AS1 (BAZ2B antisense RNA 1; plus strand). Cytogenetic location: 2q24.2.
Variant type: single nucleotide variant.
Coding change: c.-53G>T on transcript NM_013450.4 (MANE Select); 53 bases upstream of the start codon, G replaced by T.
Molecular consequence: 5 prime UTR variant. On other transcripts: non-coding transcript variant (2).
Genome position (GRCh38, 1-based): chr2:159,616,249, C>A on the plus strand (G>T on the coding strand, the complement: BAZ2B is on the minus strand). VCF-style: chr2-159616249-C-A. GRCh37 (hg19) VCF-style: chr2-160472760-C-A.
Other names: c.-53G>T (NM_001289975.1, NM_001329857.2).
Identifiers: ClinVar variation 4281293 (VCV004281293.7).